The following is an entry in ClinVar:

ClinVar aggregate classification (germline): Uncertain significance (1 of 4 stars; one submission).

Conditions:
Familial cancer of breast. Also called: hereditary breast carcinoma; Hereditary breast cancer; BREAST CANCER, FAMILIAL. Identifiers: Orphanet 227535, MedGen C0346153, MONDO:0016419, OMIM 114480. Disease mechanism: loss of function.

Submission:

Labcorp Genetics (formerly Invitae), Labcorp
Classification: Uncertain significance for Familial cancer of breast. Last evaluated: 2019-05-13. Review status: criteria provided, single submitter. Criteria: Invitae Variant Classification Sherloc (09022015). Collection method: clinical testing. Allele origin: germline.
Comment: In summary, the available evidence is currently insufficient to determine the role of this variant in disease. Therefore, it has been classified as a Variant of Uncertain Significance. Algorithms developed to predict the effect of missense changes on protein structure and function are either unavailable or do not agree on the potential impact of this missense change (SIFT: "Deleterious"; PolyPhen-2: "Probably Damaging"; Align-GVGD: "Class C0"). This variant has not been reported in the literature in individuals with PALB2-related conditions. This variant is not present in population databases (ExAC no frequency). This sequence change replaces leucine with arginine at codon 88 of the PALB2 protein (p.Leu88Arg). The leucine residue is highly conserved and there is a moderate physicochemical difference between leucine and arginine.

NM_024675.4(PALB2):c.263T>G (p.Leu88Arg)

Gene: PALB2 (partner and localizer of BRCA2; minus strand). Cytogenetic location: 16p12.2.
Variant type: single nucleotide variant.
Coding change: c.263T>G on transcript NM_024675.4 (MANE Select); coding-DNA position 263, T replaced by G.
Protein change: p.Leu88Arg; replaces leucine 88 with arginine.
Molecular consequence: missense variant.
Genome position (GRCh38, 1-based): chr16:23,636,283, A>C on the plus strand (T>G on the coding strand, the complement: PALB2 is on the minus strand). VCF-style: chr16-23636283-A-C. GRCh37 (hg19) VCF-style: chr16-23647604-A-C.
Other names: short protein forms L88R.
Identifiers: ClinVar variation 846327 (VCV000846327.10), dbSNP rs876660270, ClinGen allele CA395138876.